The following is an entry in ClinVar:

ClinVar aggregate classification (germline): Uncertain significance (1 of 4 stars; one submission).

Allele frequency attached by ClinVar (database versions not stated): gnomAD exomes below 0.00001; TOPMed 0.00001; ExAC 0.00001; gnomAD 0.00001; 1000 Genomes Project 30x 0.00016; 1000 Genomes Project 0.00020.
gnomAD v4.1: 4 of 1,613,936 alleles (0.00025%); highest among the groups gnomAD compares: Admixed American, 0.0017%; no homozygotes.

Submission:

Labcorp Genetics (formerly Invitae), Labcorp
Classification: Uncertain significance. Last evaluated: 2022-08-16. Review status: criteria provided, single submitter. Criteria: Invitae Variant Classification Sherloc (09022015). Collection method: clinical testing. Allele origin: germline.
Comment: This sequence change replaces glycine, which is neutral and non-polar, with glutamic acid, which is acidic and polar, at codon 3100 of the USH2A protein (p.Gly3100Glu). This variant is present in population databases (rs533188575, gnomAD 0.0009%). This variant has not been reported in the literature in individuals affected with USH2A-related conditions. ClinVar contains an entry for this variant (Variation ID: 1349064). Algorithms developed to predict the effect of missense changes on protein structure and function output the following: SIFT: "Deleterious"; PolyPhen-2: "Benign"; Align-GVGD: "Class C0". The glutamic acid amino acid residue is found in multiple mammalian species, which suggests that this missense change does not adversely affect protein function. In summary, the available evidence is currently insufficient to determine the role of this variant in disease. Therefore, it has been classified as a Variant of Uncertain Significance.

NM_206933.4(USH2A):c.9299G>A (p.Gly3100Glu)

Gene: USH2A (usherin; minus strand). Cytogenetic location: 1q41.
Variant type: single nucleotide variant.
Coding change: c.9299G>A on transcript NM_206933.4 (MANE Select); coding-DNA position 9299, G replaced by A.
Protein change: p.Gly3100Glu; replaces glycine 3100 with glutamic acid.
Molecular consequence: missense variant.
Genome position (GRCh38, 1-based): chr1:215,838,063, C>T on the plus strand (G>A on the coding strand, the complement: USH2A is on the minus strand). VCF-style: chr1-215838063-C-T. GRCh37 (hg19) VCF-style: chr1-216011405-C-T.
Other names: short protein forms G3100E.
Identifiers: ClinVar variation 1349064 (VCV001349064.3), dbSNP rs533188575, ClinGen allele CA1394353.